The following is an entry in ClinVar:

ClinVar aggregate classification (germline): Uncertain significance (1 of 4 stars; one submission).

Conditions:
Fanconi anemia (FA). Also called: Fanconi's anemia. Identifiers: Orphanet 84, MedGen C0015625, MeSH D005199, MONDO:0019391.

Submission:

Labcorp Genetics (formerly Invitae), Labcorp
Classification: Uncertain significance for Fanconi anemia. Last evaluated: 2021-03-13. Review status: criteria provided, single submitter. Criteria: Invitae Variant Classification Sherloc (09022015). Collection method: clinical testing. Allele origin: germline.
Comment: In summary, the available evidence is currently insufficient to determine the role of this variant in disease. Therefore, it has been classified as a Variant of Uncertain Significance. This sequence change replaces glutamic acid with aspartic acid at codon 232 of the FANCF protein (p.Glu232Asp). The glutamic acid residue is moderately conserved and there is a small physicochemical difference between glutamic acid and aspartic acid. This variant is not present in population databases (ExAC no frequency). This variant has not been reported in the literature in individuals with FANCF-related conditions. Algorithms developed to predict the effect of missense changes on protein structure and function output the following: SIFT: "Tolerated"; PolyPhen-2: "Benign"; Align-GVGD: "Class C0". The aspartic acid amino acid residue is found in multiple mammalian species, suggesting that this missense change does not adversely affect protein function. These predictions have not been confirmed by published functional studies and their clinical significance is uncertain.

NM_022725.4(FANCF):c.696G>T (p.Glu232Asp)

Gene: FANCF (FA complementation group F; minus strand). Cytogenetic location: 11p14.3.
Variant type: single nucleotide variant.
Coding change: c.696G>T on transcript NM_022725.4 (MANE Select); coding-DNA position 696, G replaced by T.
Protein change: p.Glu232Asp; replaces glutamic acid 232 with aspartic acid.
Molecular consequence: missense variant.
Genome position (GRCh38, 1-based): chr11:22,625,115, C>A on the plus strand (G>T on the coding strand, the complement: FANCF is on the minus strand). VCF-style: chr11-22625115-C-A. GRCh37 (hg19) VCF-style: chr11-22646661-C-A.
Other names: short protein forms E232D.
Identifiers: ClinVar variation 1426466 (VCV001426466.8), dbSNP rs1590541131, ClinGen allele CA380058516.